The following is an entry in ClinVar:

ClinVar aggregate classification (germline): Likely pathogenic. Review status: criteria provided, single submitter (1 of 4 stars). 2 submissions from 2 submitters: Likely pathogenic (1). 1 of the submissions does not count toward it. Last evaluated 2023-03-13.

Allele frequency attached by ClinVar (database versions not stated): gnomAD 0.00001.

Submissions (2):

Labcorp Genetics (formerly Invitae), Labcorp
Classification: Likely pathogenic. Last evaluated: 2023-03-13. Review status: criteria provided, single submitter. Criteria: Invitae Variant Classification Sherloc (09022015). Collection method: clinical testing. Allele origin: germline.
Comment: This sequence change affects a donor splice site in intron 1 of the VPS33B gene. It is expected to disrupt RNA splicing. Variants that disrupt the donor or acceptor splice site typically lead to a loss of protein function (PMID: 16199547), and loss-of-function variants in VPS33B are known to be pathogenic (PMID: 15052268, 16896922). This variant is not present in population databases (gnomAD no frequency). This variant has not been reported in the literature in individuals affected with VPS33B-related conditions. ClinVar contains an entry for this variant (Variation ID: 592032). Algorithms developed to predict the effect of sequence changes on RNA splicing suggest that this variant may disrupt the consensus splice site. In summary, the currently available evidence indicates that the variant is pathogenic, but additional data are needed to prove that conclusively. Therefore, this variant has been classified as Likely Pathogenic.

Gharavi Laboratory, Columbia University
Classification: Uncertain significance. Last evaluated: 2018-09-16. Review status: no assertion criteria provided. Criteria: ACMG Guidelines, 2015. Collection method: research. Allele origin: germline. Affected: yes. Not counted in ClinVar's aggregate classification.

Literature cited by the submitters: PubMed 16199547 (cited by Labcorp Genetics (formerly Invitae), Labcorp); PubMed 15052268 (cited by Labcorp Genetics (formerly Invitae), Labcorp); PubMed 16896922 (cited by Labcorp Genetics (formerly Invitae), Labcorp).

NM_018668.5(VPS33B):c.96+1G>T

Gene: VPS33B (VPS33B late endosome and lysosome associated; minus strand). Cytogenetic location: 15q26.1.
Variant type: single nucleotide variant.
Coding change: c.96+1G>T on transcript NM_018668.5 (MANE Select); the canonical splice donor site of the intron after coding-DNA position 96, G replaced by T.
Molecular consequence: splice donor variant.
Genome position (GRCh38, 1-based): chr15:91,022,153, C>A on the plus strand (G>T on the coding strand, the complement: VPS33B is on the minus strand). VCF-style: chr15-91022153-C-A. GRCh37 (hg19) VCF-style: chr15-91565383-C-A.
Other names: c.96+1G>T (NM_001289148.1); c.-116+1G>T (NM_001289149.1).
Identifiers: ClinVar variation 592032 (VCV000592032.8), dbSNP rs1567232168, ClinGen allele CA393863647.